The following is an entry in ClinVar:

NM_004360.5(CDH1):c.130C>G (p.Arg44Gly)

Gene: CDH1 (cadherin 1; plus strand). Cytogenetic location: 16q22.1.
Variant type: single nucleotide variant.
Coding change: c.130C>G on transcript NM_004360.5 (MANE Select); coding-DNA position 130, C replaced by G.
Protein change: p.Arg44Gly; replaces arginine 44 with glycine.
Molecular consequence: missense variant. On other transcripts: 5 prime UTR variant (2).
Genome position (GRCh38, 1-based): chr16:68,738,378, C>G. VCF-style: chr16-68738378-C-G. GRCh37 (hg19) VCF-style: chr16-68772281-C-G.
Other names: c.130C>G, p.Arg44Gly (NM_001317184.2); c.-1486C>G (NM_001317185.2); c.-1690C>G (NM_001317186.2); short protein forms R44G.
Identifiers: ClinVar variation 5041376 (VCV005041376.1).
Genomic context (GRCh38, chr16:68,738,378, plus strand): 5'-GAGCCGGAGCCCTGCCACCCTGGCTTTGACGCCGAGAGCTACACGTTCACGGTGCCCCGG[C>G]GCCACCTGGAGAGAGGCCGCGTCCTGGGCAGAGGTGAGGGCGCGCTGCCGGTGTCCCTGG-3'
Protein context (NP_004351.1, residues 34-54): AESYTFTVPR[Arg44Gly]HLERGRVLGR

ClinVar aggregate classification (germline): Uncertain significance (1 of 4 stars; one submission).

Submission:

CeGaT Center for Human Genetics Tuebingen
Classification: Uncertain significance. Last evaluated: 2026-09-01. Review status: criteria provided, single submitter. Criteria: CeGaT Center For Human Genetics Tuebingen Variant Classification Criteria Version 2. Collection method: clinical testing. Allele origin: germline. Affected: yes. Observed: 1 variant allele.
Comment: CDH1: PM2, BP4